The following is an entry in ClinVar:

ClinVar aggregate classification (germline): Uncertain significance (1 of 4 stars; one submission).

Conditions:
Familial intrahepatic cholestasis. Identifiers: Orphanet 284385, MedGen CN296401, MONDO:0017290.

Submission:

Genomenon, Inc
Classification: Uncertain significance for Familial intrahepatic cholestasis. Last evaluated: 2026-04-14. Review status: criteria provided, single submitter. Criteria: Genomenon Sequence Variant Interpretation Standards - Updated. Collection method: curation. Allele origin: germline. Affected: yes.
Comment: ABCB11 p.Ile154del (c.459_462delinsA) is a deletion-insertion variant that results in the deletion of a single amino acid, Isoleucine at residue 154. This variant has been observed in at least one proband with an ABCB11-related disorder (PMID:38341604). It is absent or not present at a significant frequency in gnomAD. In conclusion, we classify ABCB11 p.Ile154del (c.459_462delinsA) as a variant of uncertain significance.

Literature cited by the submitters: PubMed 38341604.

NM_003742.4(ABCB11):c.459_462delinsA (p.Ile154del)

Gene: ABCB11 (ATP binding cassette subfamily B member 11; minus strand). Cytogenetic location: 2q31.1.
Variant type: Indel.
Coding change: c.459_462delinsA on transcript NM_003742.4 (MANE Select); coding-DNA positions 459 to 462, TATC replaced by A.
Protein change: p.Ile154del; deletes isoleucine 154.
Genome position (GRCh38, 1-based): chr2:168,996,650-168,996,653, GATA replaced by T on the plus strand (TATC replaced by A on the coding strand, the reverse complement: ABCB11 is on the minus strand). VCF-style: chr2-168996650-GATA-T. GRCh37 (hg19) VCF-style: chr2-169853160-GATA-T.
Other names: short protein forms I154del.
Identifiers: ClinVar variation 4846047 (VCV004846047.1).